The following is an entry in ClinVar:

ClinVar aggregate classification (germline): Uncertain significance. Review status: criteria provided, multiple submitters, no conflicts (2 of 4 stars). 4 submissions from 4 submitters: Uncertain significance (3). 1 of the submissions does not count toward it. Last evaluated 2025-01-26.

Conditions:
Inborn genetic diseases. Identifiers: MedGen C0950123, MeSH D030342.
Nemaline myopathy 2 (NEM2). Also called: Nemaline myopathy 2, autosomal recessive. Identifiers: MedGen C1850569, MONDO:0009725, OMIM 256030.

Allele frequency attached by ClinVar (database versions not stated): gnomAD exomes below 0.00001 and 0.00001; gnomAD 0.00003; TOPMed 0.00004.
gnomAD v4.1: 12 of 1,613,880 alleles (0.00074%); highest among the groups gnomAD compares: Admixed American, 0.0033%; no homozygotes.

Submissions (4):

Ambry Genetics
Classification: Uncertain significance for Inborn genetic diseases. Last evaluated: 2025-01-26. Review status: criteria provided, single submitter. Criteria: Ambry Variant Classification Scheme 2023. Collection method: clinical testing. Allele origin: germline.

GeneDx
Classification: Uncertain significance. Last evaluated: 2024-06-17. Review status: criteria provided, single submitter. Criteria: GeneDx Variant Classification Process June 2021. Collection method: clinical testing. Allele origin: germline. Affected: yes.
Comment: Not observed at significant frequency in large population cohorts (gnomAD); In silico analysis indicates that this missense variant does not alter protein structure/function; Has not been previously published as pathogenic or benign to our knowledge

Labcorp Genetics (formerly Invitae), Labcorp
Classification: Uncertain significance for Nemaline myopathy 2. Last evaluated: 2022-09-07. Review status: criteria provided, single submitter. Criteria: Invitae Variant Classification Sherloc (09022015). Collection method: clinical testing. Allele origin: germline.
Comment: This sequence change replaces glycine, which is neutral and non-polar, with serine, which is neutral and polar, at codon 1220 of the NEB protein (p.Gly1220Ser). This variant is present in population databases (no rsID available, gnomAD 0.003%). This variant has not been reported in the literature in individuals affected with NEB-related conditions. ClinVar contains an entry for this variant (Variation ID: 848917). Algorithms developed to predict the effect of missense changes on protein structure and function are either unavailable or do not agree on the potential impact of this missense change (SIFT: "Deleterious"; PolyPhen-2: "Not Available"; Align-GVGD: "Class C0"). In summary, the available evidence is currently insufficient to determine the role of this variant in disease. Therefore, it has been classified as a Variant of Uncertain Significance.

Natera, Inc.
Classification: Uncertain significance for Nemaline myopathy type 2. Last evaluated: 2020-01-24. Review status: no assertion criteria provided. Collection method: clinical testing. Allele origin: germline. Not counted in ClinVar's aggregate classification.

NM_001164508.2(NEB):c.3658G>A (p.Gly1220Ser)

Gene: NEB (nebulin; minus strand). Cytogenetic location: 2q23.3.
Variant type: single nucleotide variant.
Coding change: c.3658G>A on transcript NM_001164508.2 (MANE Select); coding-DNA position 3658, G replaced by A.
Protein change: p.Gly1220Ser; replaces glycine 1220 with serine.
Molecular consequence: missense variant.
Genome position (GRCh38, 1-based): chr2:151,677,681, C>T on the plus strand (G>A on the coding strand, the complement: NEB is on the minus strand). VCF-style: chr2-151677681-C-T. GRCh37 (hg19) VCF-style: chr2-152534195-C-T.
Other names: c.3658G>A, p.Gly1220Ser (NM_001164507.2, NM_001271208.2, NM_004543.5); c.3658G>A (NM_004543.4); short protein forms G1220S.
Identifiers: ClinVar variation 848917 (VCV000848917.9), dbSNP rs1320792762, ClinGen allele CA348818592.